The following is an entry in ClinVar:

ClinVar aggregate classification (germline): Uncertain significance (1 of 4 stars; one submission).

Submission:

Ambry Genetics
Classification: Uncertain significance. Last evaluated: 2026-02-16. Review status: criteria provided, single submitter. Criteria: Ambry Variant Classification Scheme 2023. Collection method: clinical testing. Allele origin: germline.
Comment: The p.K672E variant (also known as c.2014A>G), located in coding exon 1 of the MLH3 gene, results from an A to G substitution at nucleotide position 2014. The lysine at codon 672 is replaced by glutamic acid, an amino acid with similar properties. This amino acid position is conserved. In addition, this alteration is predicted to be tolerated by in silico analysis. Based on the available evidence, the clinical significance of this variant remains unclear.

NM_001040108.2(MLH3):c.2014A>G (p.Lys672Glu)

Gene: MLH3 (mutL homolog 3; minus strand). Cytogenetic location: 14q24.3.
Variant type: single nucleotide variant.
Coding change: c.2014A>G on transcript NM_001040108.2 (MANE Select); coding-DNA position 2014, A replaced by G.
Protein change: p.Lys672Glu; replaces lysine 672 with glutamic acid.
Molecular consequence: missense variant.
Genome position (GRCh38, 1-based): chr14:75,047,642, T>C on the plus strand (A>G on the coding strand, the complement: MLH3 is on the minus strand). VCF-style: chr14-75047642-T-C. GRCh37 (hg19) VCF-style: chr14-75514345-T-C.
Other names: c.2014A>G, p.Lys672Glu (NM_014381.3); short protein forms K672E.
Identifiers: ClinVar variation 4844643 (VCV004844643.1).